The following continues an entry in ClinVar:

NM_000218.3(KCNQ1):c.898G>A (p.Ala300Thr)

Gene: KCNQ1. ClinVar aggregate classification (germline): Conflicting classifications of pathogenicity. Pathogenic (1); Likely pathogenic (5); Uncertain significance (8).

Submissions 5 to 18 of 18:

All of Us Research Program, National Institutes of Health
Classification: Uncertain significance for Long QT syndrome. Last evaluated: 2024-09-23. Review status: criteria provided, single submitter. Criteria: ACMG Guidelines, 2015. Collection method: clinical testing. Allele origin: germline. Inheritance: Autosomal dominant inheritance. Observed: 11 variant alleles, 11 heterozygotes.
Comment: This missense variant replaces alanine with threonine at codon 300 of the KCNQ1 protein. Computational prediction suggests that this variant may have deleterious impact on protein structure and function (internally defined REVEL score threshold >= 0.7, PMID: 27666373). Experimental functional studies have shown that this variant causes a reduced cell current, a hyperpolarizing shift in activation, and a faster activation rate of the channel (PMID: 9641694, 11087258, 30571187, 33693037). This variant has also been reported in another two unrelated healthy individuals (PMID: 19841300, 22949429). This variant has been identified in 12/249914 chromosomes in the general population by the Genome Aggregation Database (gnomAD). The available evidence is insufficient to determine the role of this variant in disease conclusively. Therefore, this variant is classified as a Variant of Uncertain Significance.

This study involves interpretation of variants in research participants for the purpose of population health screening. Participant phenotype was not available at the time of variant classification. Additional details can be found in publication PMID: 35346344, PMCID: PMC8962531

Color Diagnostics, LLC DBA Color Health
Classification: Uncertain significance for Cardiac arrhythmia. Last evaluated: 2024-02-16. Review status: criteria provided, single submitter. Criteria: ACMG Guidelines, 2015. Collection method: clinical testing. Allele origin: germline.
Comment: This missense variant replaces alanine with threonine at codon 300 of the KCNQ1 protein. Computational prediction suggests that this variant may have deleterious impact on protein structure and function (internally defined REVEL score threshold >= 0.7, PMID: 27666373). Experimental functional studies have shown that this variant causes a reduced cell current, a hyperpolarizing shift in activation, and a faster activation rate of the channel (PMID: 9641694, 11087258, 30571187, 33693037). This variant has been reported in individuals affected with sudden unexplained death (PMID: 28600177), Jervell and Lange-Nielsen syndrome (PMID: 34165182), or long QT syndrome (PMID: 9641694, 27251404, 32268277, 32893267). One of these individuals also carried another de novo pathogenic variant in the KCNQ1 gene (PMID: 27251404). This variant has also been observed in asymptomatic family members (PMID: 9641694, 27251404, 28600177) and healthy individuals (PMID: 19841300, 22949429). This variant has been identified in 12/249914 chromosomes in the general population by the Genome Aggregation Database (gnomAD). The available evidence is insufficient to determine the role of this variant in disease conclusively. Therefore, this variant is classified as a Variant of Uncertain Significance.

Molecular Genetics Laboratory - Cardiogenetics, CHU de Nantes
Classification: Pathogenic for Long QT syndrome 1. Last evaluated: 2023-08-01. Review status: criteria provided, single submitter. Criteria: ACMG Guidelines, 2015. Collection method: clinical testing. Allele origin: germline. Affected: yes.

GeneDx
Classification: Uncertain significance. Last evaluated: 2023-03-01. Review status: criteria provided, single submitter. Criteria: GeneDx Variant Classification Process June 2021. Collection method: clinical testing. Allele origin: germline. Affected: yes.
Comment: Identified in patients with LQTS referred for genetic testing at GeneDx and in published literuture (Burgos et al., 2016; Scwartz et al., 2021); at least one patient harbored additional cardiogenetic variants; Published functional studies demonstrated that the A300T variant reduces the Iks current, but does not show a dominant-negative effect (Priori et al., 1998; Bianchi et al., 2000). Furthermore, Bianchi et al (2000) reported that the presence of a heterozygous A300T variant is associated with a mild cellular phenotype and mild clinical presentation; In silico analysis supports that this missense variant has a deleterious effect on protein structure/function; This variant is associated with the following publications: (PMID: 17999538, 19841300, 23591039, 19862833, 9927399, 14678125, 22949429, 12205113, 11530094, 27041150, 29021305, 29033053, 29197658, 30571187, 9641694, 33693037, 34505893, 11087258, 27251404, 28600177)

Illumina Laboratory Services, Illumina
Classification: Uncertain significance for Atrial fibrillation, familial, 3. Last evaluated: 2017-09-11. Review status: criteria provided, single submitter. Criteria: ICSL Variant Classification Criteria 13 December 2019. Collection method: clinical testing. Allele origin: germline.

Illumina Laboratory Services, Illumina
Classification: Uncertain significance for Long QT syndrome 1. Last evaluated: 2017-09-11. Review status: criteria provided, single submitter. Criteria: ICSL Variant Classification Criteria 13 December 2019. Collection method: clinical testing. Allele origin: germline.
Comment: This variant was observed as part of a predisposition screen in an ostensibly healthy population. A literature search was performed for the gene, cDNA change, and amino acid change (where applicable). Publications were found based on this search. However, the evidence from the literature, in combination with allele frequency data from public databases where available, was not sufficient to rule this variant in or out of causing disease. Therefore, this variant is classified as a variant of unknown significance.

Illumina Laboratory Services, Illumina
Classification: Uncertain significance for Jervell and Lange-Nielsen syndrome 1. Last evaluated: 2017-09-11. Review status: criteria provided, single submitter. Criteria: ICSL Variant Classification Criteria 13 December 2019. Collection method: clinical testing. Allele origin: germline.

Bioinformatics dept., Datar Cancer Genetics Limited, India
Classification: Likely pathogenic for Long QT syndrome 1. Last evaluated: 2017-06-01. Review status: criteria provided, single submitter. Criteria: ACMG Guidelines, 2015. Collection method: clinical testing. Allele origin: germline. Inheritance: Autosomal dominant inheritance. Affected: yes. Observed: 1 variant allele, 1 compound heterozygote.

Molecular Diagnostic Laboratory for Inherited Cardiovascular Disease, Montreal Heart Institute
Classification: Uncertain significance. Last evaluated: 2016-06-30. Review status: criteria provided, single submitter. Criteria: ACMG Guidelines, 2015. Collection method: clinical testing. Allele origin: germline. Affected: yes.

Stanford Center for Inherited Cardiovascular Disease, Stanford University
Classification: Uncertain significance. Last evaluated: 2014-02-18. Review status: criteria provided, single submitter. Criteria: ACMG Guidelines, 2015. Collection method: provider interpretation. Allele origin: germline.

OMIM
Classification: Pathogenic for LONG QT SYNDROME 1. Last evaluated: 2003-05-08. Review status: no assertion criteria provided. Collection method: literature only. Allele origin: germline. Not counted in ClinVar's aggregate classification.

Cardiovascular Biomedical Research Unit, Royal Brompton & Harefield NHS Foundation Trust
No classification provided. Review status: no classification provided. Collection method: literature only. Allele origin: germline. Not counted in ClinVar's aggregate classification.
Comment: This variant has been reported in the following publications (PMID:9641694;PMID:14678125;PMID:19841300;PMID:9927399;PMID:17999538).

Clinical Genetics, Academic Medical Center
Classification: Uncertain significance. Review status: no assertion criteria provided. Collection method: clinical testing. Allele origin: germline. Affected: yes. Study: VKGL Data-share Consensus. Not counted in ClinVar's aggregate classification.

Joint Genome Diagnostic Labs from Nijmegen and Maastricht, Radboudumc and MUMC+
Classification: Uncertain significance. Review status: no assertion criteria provided. Collection method: clinical testing. Allele origin: germline. Affected: yes. Study: VKGL Data-share Consensus. Not counted in ClinVar's aggregate classification.

Literature cited by the submitters: PubMed 9641694 (cited by 8 submitters); PubMed 24667783 (cited by Ambry Genetics); PubMed 34884666 (cited by Ambry Genetics); PubMed 27251404 (cited by 5 submitters); PubMed 28600177 (cited by 5 submitters); PubMed 34505893 (cited by Labcorp Genetics (formerly Invitae), Labcorp); PubMed 11087258 (cited by 5 submitters); PubMed 30571187 (cited by 3 submitters); PubMed 33693037 (cited by 4 submitters); PubMed 39486665 (cited by Women's Health and Genetics/Laboratory Corporation of America, LabCorp); PubMed 19841300 (cited by 4 submitters); PubMed 22949429 (cited by 3 submitters); PubMed 32268277 (cited by All of Us Research Program, National Institutes of Health and Color Diagnostics, LLC DBA Color Health); PubMed 32893267 (cited by All of Us Research Program, National Institutes of Health and Color Diagnostics, LLC DBA Color Health); PubMed 34165182 (cited by Color Diagnostics, LLC DBA Color Health); PubMed 14678125 (cited by 3 submitters); PubMed 9927399 (cited by Illumina Laboratory Services, Illumina and Cardiovascular Biomedical Research Unit, Royal Brompton & Harefield NHS Foundation Trust); PubMed 27041150 (cited by Illumina Laboratory Services, Illumina); PubMed 12736279 (cited by OMIM); PubMed 17999538 (cited by Cardiovascular Biomedical Research Unit, Royal Brompton & Harefield NHS Foundation Trust); PubMed 22581653 (cited by Cardiovascular Biomedical Research Unit, Royal Brompton & Harefield NHS Foundation Trust).